The following is an entry in ClinVar:

NM_015375.3(DSTYK):c.609T>G (p.His203Gln)

Gene: DSTYK (dual serine/threonine and tyrosine protein kinase; minus strand). Cytogenetic location: 1q32.1.
Variant type: single nucleotide variant.
Coding change: c.609T>G on transcript NM_015375.3 (MANE Select); coding-DNA position 609, T replaced by G.
Protein change: p.His203Gln; replaces histidine 203 with glutamine.
Molecular consequence: missense variant.
Genome position (GRCh38, 1-based): chr1:205,187,463, A>C on the plus strand (T>G on the coding strand, the complement: DSTYK is on the minus strand). VCF-style: chr1-205187463-A-C. GRCh37 (hg19) VCF-style: chr1-205156591-A-C.
Other names: c.609T>G, p.His203Gln (NM_199462.3); short protein forms H203Q.
Identifiers: ClinVar variation 807907 (VCV000807907.47), dbSNP rs748982270, ClinGen allele CA36441693.

ClinVar aggregate classification (germline): Uncertain significance. Review status: criteria provided, multiple submitters, no conflicts (2 of 4 stars). 3 submissions from 3 submitters: Uncertain significance (3). Last evaluated 2022-11-22.

Conditions:
Hereditary spastic paraplegia 23. Also called: SPASTIC PARAPARESIS, VITILIGO, PREMATURE GRAYING, CHARACTERISTIC FACIES; SPASTIC PARAPLEGIA WITH PIGMENTARY ABNORMALITIES; LISON SYNDROME. Identifiers: Orphanet 101003, MedGen C0796019, MONDO:0010046, OMIM 270750.

Allele frequency attached by ClinVar (database versions not stated): gnomAD 0.00001; TOPMed 0.00001.
gnomAD v4.1: 14 of 1,614,024 alleles (0.00087%); highest among the groups gnomAD compares: Middle Eastern, 0.15%; no homozygotes.

Submissions (3):

Labcorp Genetics (formerly Invitae), Labcorp
Classification: Uncertain significance. Last evaluated: 2022-11-22. Review status: criteria provided, single submitter. Criteria: Invitae Variant Classification Sherloc (09022015). Collection method: clinical testing. Allele origin: germline.
Comment: In summary, the available evidence is currently insufficient to determine the role of this variant in disease. Therefore, it has been classified as a Variant of Uncertain Significance. Algorithms developed to predict the effect of missense changes on protein structure and function are either unavailable or do not agree on the potential impact of this missense change (SIFT: "Deleterious"; PolyPhen-2: "Benign"; Align-GVGD: "Class C0"). ClinVar contains an entry for this variant (Variation ID: 807907). This variant has not been reported in the literature in individuals affected with DSTYK-related conditions. This variant is not present in population databases (gnomAD no frequency). This sequence change replaces histidine, which is basic and polar, with glutamine, which is neutral and polar, at codon 203 of the DSTYK protein (p.His203Gln).

Baylor Genetics
Classification: Uncertain significance for Hereditary spastic paraplegia 23. Last evaluated: 2019-08-13. Review status: criteria provided, single submitter. Criteria: ACMG Guidelines, 2015. Collection method: clinical testing. Allele origin: unknown. Affected: yes.
Comment: This variant was determined to be of uncertain significance according to ACMG Guidelines, 2015 [PMID:25741868].

CeGaT Center for Human Genetics Tuebingen
Classification: Uncertain significance. Last evaluated: 2018-06-01. Review status: criteria provided, single submitter. Criteria: CeGaT Center For Human Genetics Tuebingen Variant Classification Criteria Version 2. Collection method: clinical testing. Allele origin: germline. Affected: yes. Observed: 1 variant allele.